The following is an entry in ClinVar:

NM_005228.5(EGFR):c.138T>A (p.Asp46Glu)

Gene: EGFR (epidermal growth factor receptor; plus strand). Cytogenetic location: 7p11.2.
Variant type: single nucleotide variant.
Coding change: c.138T>A on transcript NM_005228.5 (MANE Select); coding-DNA position 138, T replaced by A.
Protein change: p.Asp46Glu; replaces aspartic acid 46 with glutamic acid.
Molecular consequence: missense variant. On other transcripts: 5 prime UTR variant (1), intron variant (1).
Genome position (GRCh38, 1-based): chr7:55,142,335, T>A. VCF-style: chr7-55142335-T-A. GRCh37 (hg19) VCF-style: chr7-55210028-T-A.
Other names: c.138T>A, p.Asp46Glu (NM_001346897.2, NM_001346898.2, NM_001346899.2 and 3 more transcripts); c.-22T>A (NM_001346900.2); c.89-13495T>A (NM_001346941.2); short protein forms D46E.
Identifiers: ClinVar variation 960652 (VCV000960652.8), dbSNP rs1052582656, ClinGen allele CA158897380.

ClinVar aggregate classification (germline): Uncertain significance. Review status: criteria provided, multiple submitters, no conflicts (2 of 4 stars). 2 submissions from 2 submitters: Uncertain significance (2). Last evaluated 2025-12-05.

Conditions:
Hereditary cancer-predisposing syndrome. Also called: Tumor predisposition; Hereditary neoplastic syndrome; Neoplastic Syndromes, Hereditary; Hereditary Cancer Syndrome. Identifiers: Orphanet 140162, MedGen C0027672, MeSH D009386, MONDO:0015356.
EGFR-related lung cancer (EGFR). Identifiers: MedGen CN130014.

Allele frequency attached by ClinVar (database versions not stated): gnomAD exomes 0.00002; TOPMed 0.00003; gnomAD 0.00007.
gnomAD v4.1: 16 of 1,614,122 alleles (0.00099%); highest among the groups gnomAD compares: Admixed American, 0.023%; no homozygotes.

Submissions (2):

Labcorp Genetics (formerly Invitae), Labcorp
Classification: Uncertain significance for EGFR-related lung cancer. Last evaluated: 2025-12-05. Review status: criteria provided, single submitter. Criteria: Invitae Variant Classification Sherloc (09022015). Collection method: clinical testing. Allele origin: germline.
Comment: This sequence change replaces aspartic acid, which is acidic and polar, with glutamic acid, which is acidic and polar, at codon 46 of the EGFR protein (p.Asp46Glu). This variant is present in population databases (no rsID available, gnomAD 0.009%). This variant has not been reported in the literature in individuals affected with EGFR-related conditions. ClinVar contains an entry for this variant (Variation ID: 960652). Invitae Evidence Modeling of protein sequence and biophysical properties (such as structural, functional, and spatial information, amino acid conservation, physicochemical variation, residue mobility, and thermodynamic stability) indicates that this missense variant is not expected to disrupt EGFR protein function with a negative predictive value of 80%. In summary, the available evidence is currently insufficient to determine the role of this variant in disease. Therefore, it has been classified as a Variant of Uncertain Significance.

Ambry Genetics
Classification: Uncertain significance for Hereditary cancer-predisposing syndrome. Last evaluated: 2025-06-01. Review status: criteria provided, single submitter. Criteria: Ambry Variant Classification Scheme 2023. Collection method: clinical testing. Allele origin: germline.
Comment: The p.D46E variant (also known as c.138T>A), located in coding exon 2 of the EGFR gene, results from a T to A substitution at nucleotide position 138. The aspartic acid at codon 46 is replaced by glutamic acid, an amino acid with highly similar properties. This amino acid position is conserved. In addition, this alteration is predicted to be tolerated by in silico analysis. Based on the available evidence, the clinical significance of this variant remains unclear.